The following is an entry in ClinVar:

ClinVar aggregate classification (germline): Uncertain significance (1 of 4 stars; one submission).

Submission:

Dasa
Classification: Uncertain significance. Last evaluated: 2025-11-14. Review status: criteria provided, single submitter. Criteria: DASA Assertion Criteria. Collection method: clinical testing. Allele origin: germline.
Comment: NM_007317.3(KIF22):c.1702delinsGGA (p.Pro568Glyfs*30) is a frameshift variant in KIF22 predicted to alter the reading frame and introduce a premature termination codon. This variant is absent from population databases. The currently available literature and clinical evidence are not sufficient to establish a definitive association between this variant and the reported condition. Therefore, this variant is classified as a variant of uncertain significance.

NM_007317.3(KIF22):c.1702delinsGGA (p.Pro568fs)

Gene: KIF22 (kinesin family member 22; plus strand). Cytogenetic location: 16p11.2.
Variant type: Indel.
Coding change: c.1702delinsGGA on transcript NM_007317.3 (MANE Select); coding-DNA position 1702, C replaced by GGA.
Protein change: p.Pro568fs; shifts the reading frame from proline 568.
Molecular consequence: frameshift variant.
Genome position (GRCh38, 1-based): chr16:29,804,838, C replaced by GGA. VCF-style: chr16-29804838-C-GGA. GRCh37 (hg19) VCF-style: chr16-29816159-C-GGA.
Other names: c.1498delinsGGA, p.Pro500fs (NM_001256269.2, NM_001256270.1); short protein forms P500fs, P568fs.
Identifiers: ClinVar variation 4883986 (VCV004883986.2).